The following is an entry in ClinVar:

NM_001164508.2(NEB):c.2521G>A (p.Asp841Asn)

Gene: NEB (nebulin; minus strand). Cytogenetic location: 2q23.3.
Variant type: single nucleotide variant.
Coding change: c.2521G>A on transcript NM_001164508.2 (MANE Select); coding-DNA position 2521, G replaced by A.
Protein change: p.Asp841Asn; replaces aspartic acid 841 with asparagine.
Molecular consequence: missense variant.
Genome position (GRCh38, 1-based): chr2:151,687,628, C>T on the plus strand (G>A on the coding strand, the complement: NEB is on the minus strand). VCF-style: chr2-151687628-C-T. GRCh37 (hg19) VCF-style: chr2-152544142-C-T.
Other names: c.2521G>A, p.Asp841Asn (NM_001164507.2, NM_001271208.2, NM_004543.5); short protein forms D841N.
Identifiers: ClinVar variation 1370884 (VCV001370884.8), dbSNP rs377599060, ClinGen allele CA1911204.

ClinVar aggregate classification (germline): Uncertain significance (1 of 4 stars; one submission).

Conditions:
Nemaline myopathy 2 (NEM2). Also called: Nemaline myopathy 2, autosomal recessive. Identifiers: MedGen C1850569, MONDO:0009725, OMIM 256030.

Allele frequency attached by ClinVar (database versions not stated): gnomAD 0.00002; TOPMed 0.00002; ExAC 0.00003; ESP Exome Variant Server 0.00008.
gnomAD v4.1: 12 of 1,612,996 alleles (0.00074%); highest among the groups gnomAD compares: African/African-American, 0.0053%; no homozygotes.

Submission:

Labcorp Genetics (formerly Invitae), Labcorp
Classification: Uncertain significance for Nemaline myopathy 2. Last evaluated: 2024-02-21. Review status: criteria provided, single submitter. Criteria: Invitae Variant Classification Sherloc (09022015). Collection method: clinical testing. Allele origin: germline.
Comment: This sequence change replaces aspartic acid, which is acidic and polar, with asparagine, which is neutral and polar, at codon 841 of the NEB protein (p.Asp841Asn). This variant is present in population databases (rs377599060, gnomAD 0.02%). This variant has not been reported in the literature in individuals affected with NEB-related conditions. ClinVar contains an entry for this variant (Variation ID: 1370884). Experimental studies and prediction algorithms are not available or were not evaluated, and the functional significance of this variant is currently unknown. In summary, the available evidence is currently insufficient to determine the role of this variant in disease. Therefore, it has been classified as a Variant of Uncertain Significance.